The following is an entry in ClinVar:

ClinVar aggregate classification (germline): Uncertain significance (1 of 4 stars; one submission).

Conditions:
ADGRV1-related disorder. Also called: ADGRV1-related condition; ADGRV1-related disorders.

gnomAD v4.1: 3 of 1,415,562 alleles (0.00021%); highest among the groups gnomAD compares: Admixed American, 0.0075%; no homozygotes.

Submission:

PreventionGenetics, part of Exact Sciences
Classification: Uncertain significance for ADGRV1-related condition. Last evaluated: 2025-02-07. Review status: criteria provided, single submitter. Criteria: ACMG Guidelines, 2015. Collection method: clinical testing. Allele origin: germline.
Comment: The ADGRV1 c.16996G>A variant is predicted to result in the amino acid substitution p.Ala5666Thr. To our knowledge, this variant has not been reported in the literature. This variant is reported in 0.020% of alleles in individuals of Latino descent in gnomAD. At this time, the clinical significance of this variant is uncertain due to the absence of conclusive functional and genetic evidence.

NM_032119.4(ADGRV1):c.16996G>A (p.Ala5666Thr)

Gene: ADGRV1 (adhesion G protein-coupled receptor V1; plus strand). Cytogenetic location: 5q14.3.
Variant type: single nucleotide variant.
Coding change: c.16996G>A on transcript NM_032119.4 (MANE Select); coding-DNA position 16996, G replaced by A.
Protein change: p.Ala5666Thr; replaces alanine 5666 with threonine.
Molecular consequence: missense variant. On other transcripts: non-coding transcript variant (1).
Genome position (GRCh38, 1-based): chr5:90,840,962, G>A. VCF-style: chr5-90840962-G-A. GRCh37 (hg19) VCF-style: chr5-90136779-G-A.
Other names: short protein forms A5666T.
Identifiers: ClinVar variation 4987509 (VCV004987509.1).